The following is an entry in ClinVar:

ClinVar aggregate classification (germline): Uncertain significance (1 of 4 stars; one submission).

gnomAD v4.1: 8 of 1,614,040 alleles (0.0005%); highest among the groups gnomAD compares: Non-Finnish European, 0.00051%; no homozygotes.

Submission:

GeneDx
Classification: Uncertain significance. Last evaluated: 2022-07-06. Review status: criteria provided, single submitter. Criteria: GeneDx Variant Classification Process June 2021. Collection method: clinical testing. Allele origin: germline. Affected: yes.
Comment: Not observed at significant frequency in large population cohorts (gnomAD); In silico analysis supports that this missense variant has a deleterious effect on protein structure/function; Has not been previously published as pathogenic or benign to our knowledge

NM_001278064.2(GRM1):c.2228A>G (p.Tyr743Cys)

Gene: GRM1 (glutamate metabotropic receptor 1; plus strand). Cytogenetic location: 6q24.3.
Variant type: single nucleotide variant.
Coding change: c.2228A>G on transcript NM_001278064.2 (MANE Select); coding-DNA position 2228, A replaced by G.
Protein change: p.Tyr743Cys; replaces tyrosine 743 with cysteine.
Molecular consequence: missense variant.
Genome position (GRCh38, 1-based): chr6:146,399,267, A>G. VCF-style: chr6-146399267-A-G. GRCh37 (hg19) VCF-style: chr6-146720403-A-G.
Other names: c.2228A>G, p.Tyr743Cys (NM_001278065.2, NM_001278066.1, NM_001278067.1); short protein forms Y743C.
Identifiers: ClinVar variation 1810501 (VCV001810501.1), dbSNP rs2483999164, ClinGen allele CA366195120.